The following is an entry in ClinVar:

ClinVar aggregate classification (germline): Uncertain significance. Review status: criteria provided, multiple submitters, no conflicts (2 of 4 stars). 2 submissions from 2 submitters: Uncertain significance (2). Last evaluated 2025-07-22.

Conditions:
Hypertrophic cardiomyopathy. Also called: HYPERTROPHIC MYOCARDIOPATHY. Identifiers: Orphanet 217569, MedGen C0007194, MeSH D002312, MONDO:0005045, HP:0001639.

Allele frequency attached by ClinVar (database versions not stated): gnomAD exomes 0.00002; TOPMed 0.00001; gnomAD 0.00001; ExAC 0.00002.
gnomAD v4.1: 24 of 1,613,406 alleles (0.0015%); highest among the groups gnomAD compares: East Asian, 0.013%; no homozygotes.

Submissions (2):

Labcorp Genetics (formerly Invitae), Labcorp
Classification: Uncertain significance for Hypertrophic cardiomyopathy. Last evaluated: 2025-07-22. Review status: criteria provided, single submitter. Criteria: Invitae Variant Classification Sherloc (09022015). Collection method: clinical testing. Allele origin: germline.
Comment: This sequence change replaces arginine, which is basic and polar, with histidine, which is basic and polar, at codon 53 of the MYOZ2 protein (p.Arg53His). This variant is present in population databases (rs751671131, gnomAD 0.02%). This missense change has been observed in individual(s) with Creutzfeldt-Jakob Disease (PMID: 27341347). ClinVar contains an entry for this variant (Variation ID: 454460). Invitae Evidence Modeling of protein sequence and biophysical properties (such as structural, functional, and spatial information, amino acid conservation, physicochemical variation, residue mobility, and thermodynamic stability) indicates that this missense variant is expected to disrupt MYOZ2 protein function with a positive predictive value of 80%. In summary, the available evidence is currently insufficient to determine the role of this variant in disease. Therefore, it has been classified as a Variant of Uncertain Significance.

Stanford Center for Inherited Cardiovascular Disease, Stanford University
Classification: Uncertain significance. Last evaluated: 2017-06-08. Review status: criteria provided, single submitter. Criteria: ACMG Guidelines, 2015. Collection method: provider interpretation. Allele origin: germline.

Literature cited by the submitters: PubMed 27341347 (cited by Labcorp Genetics (formerly Invitae), Labcorp).

NM_016599.5(MYOZ2):c.158G>A (p.Arg53His)

Gene: MYOZ2 (myozenin 2; plus strand). Cytogenetic location: 4q26.
Variant type: single nucleotide variant.
Coding change: c.158G>A on transcript NM_016599.5 (MANE Select); coding-DNA position 158, G replaced by A.
Protein change: p.Arg53His; replaces arginine 53 with histidine.
Molecular consequence: missense variant.
Genome position (GRCh38, 1-based): chr4:119,150,953, G>A. VCF-style: chr4-119150953-G-A. GRCh37 (hg19) VCF-style: chr4-120072108-G-A.
Other names: short protein forms R53H.
Identifiers: ClinVar variation 454460 (VCV000454460.7), dbSNP rs751671131, ClinGen allele CA3058554.